The following is an entry in ClinVar:

ClinVar aggregate classification (germline): Uncertain significance. Review status: criteria provided, multiple submitters, no conflicts (2 of 4 stars). 2 submissions from 2 submitters: Uncertain significance (2). Last evaluated 2025-11-17.

Conditions:
Hereditary cancer-predisposing syndrome. Also called: Hereditary neoplastic syndrome; Tumor predisposition; Hereditary Cancer Syndrome; Neoplastic Syndromes, Hereditary. Identifiers: Orphanet 140162, MedGen C0027672, MeSH D009386, MONDO:0015356.
Neuroblastoma, susceptibility to, 3. Also called: ALK-Related Neuroblastic Tumor Susceptibility. Identifiers: Orphanet 635, MedGen C2751681, MONDO:0013083, OMIM 613014.

Allele frequency attached by ClinVar (database versions not stated): TOPMed below 0.00001; ExAC 0.00001; gnomAD exomes 0.00001 and 0.00002.
gnomAD v4.1: 13 of 1,614,154 alleles (0.00081%); highest among the groups gnomAD compares: South Asian, 0.012%; no homozygotes.

Submissions (2):

Labcorp Genetics (formerly Invitae), Labcorp
Classification: Uncertain significance for Neuroblastoma, susceptibility to, 3. Last evaluated: 2025-11-17. Review status: criteria provided, single submitter. Criteria: Invitae Variant Classification Sherloc (09022015). Collection method: clinical testing. Allele origin: germline.
Comment: This sequence change replaces glutamic acid, which is acidic and polar, with aspartic acid, which is acidic and polar, at codon 717 of the ALK protein (p.Glu717Asp). This variant is present in population databases (rs772363561, gnomAD 0.01%). This variant has not been reported in the literature in individuals affected with ALK-related conditions. ClinVar contains an entry for this variant (Variation ID: 576240). An algorithm developed to predict the effect of missense changes on protein structure and function (PolyPhen-2) suggests that this variant is likely to be tolerated. In summary, the available evidence is currently insufficient to determine the role of this variant in disease. Therefore, it has been classified as a Variant of Uncertain Significance.

Ambry Genetics
Classification: Uncertain significance for Hereditary cancer-predisposing syndrome. Last evaluated: 2024-12-30. Review status: criteria provided, single submitter. Criteria: Ambry Variant Classification Scheme 2023. Collection method: clinical testing. Allele origin: germline.
Comment: The p.E717D variant (also known as c.2151G>C), located in coding exon 12 of the ALK gene, results from a G to C substitution at nucleotide position 2151. The glutamic acid at codon 717 is replaced by aspartic acid, an amino acid with highly similar properties. This amino acid position is conserved. In addition, this alteration is predicted to be tolerated by in silico analysis. Since supporting evidence is limited at this time, the clinical significance of this alteration remains unclear.

NM_004304.5(ALK):c.2151G>C (p.Glu717Asp)

Gene: ALK (ALK receptor tyrosine kinase; minus strand). Cytogenetic location: 2p23.2.
Variant type: single nucleotide variant.
Coding change: c.2151G>C on transcript NM_004304.5 (MANE Select); coding-DNA position 2151, G replaced by C.
Protein change: p.Glu717Asp; replaces glutamic acid 717 with aspartic acid.
Molecular consequence: missense variant.
Genome position (GRCh38, 1-based): chr2:29,251,158, C>G on the plus strand (G>C on the coding strand, the complement: ALK is on the minus strand). VCF-style: chr2-29251158-C-G. GRCh37 (hg19) VCF-style: chr2-29474024-C-G.
Other names: short protein forms E717D.
Identifiers: ClinVar variation 576240 (VCV000576240.14), dbSNP rs772363561, ClinGen allele CA1594423.